The following is an entry in ClinVar:

NM_000038.6(APC):c.6071A>G (p.Asn2024Ser)

Gene: APC (APC regulator of Wnt signaling pathway; plus strand). Cytogenetic location: 5q22.2.
Variant type: single nucleotide variant.
Coding change: c.6071A>G on transcript NM_000038.6 (MANE Select); coding-DNA position 6071, A replaced by G.
Protein change: p.Asn2024Ser; replaces asparagine 2024 with serine.
Molecular consequence: missense variant.
Genome position (GRCh38, 1-based): chr5:112,841,665, A>G. VCF-style: chr5-112841665-A-G. GRCh37 (hg19) VCF-style: chr5-112177362-A-G.
Other names: c.6071A>G, p.Asn2024Ser (NM_001127510.3, NM_001354895.2); c.6017A>G, p.Asn2006Ser (NM_001127511.3); c.6125A>G, p.Asn2042Ser (NM_001354896.2); c.6101A>G, p.Asn2034Ser (NM_001354897.2); c.5996A>G, p.Asn1999Ser (NM_001354898.2); c.5987A>G, p.Asn1996Ser (NM_001354899.2); c.5948A>G, p.Asn1983Ser (NM_001354900.2); c.5894A>G, p.Asn1965Ser (NM_001354901.2); and 5 more; short protein forms N2006S, N2024S, N1741S, N1864S, N1933S, N1965S, N1996S, N2034S.
Identifiers: ClinVar variation 216172 (VCV000216172.13), dbSNP rs863224546, ClinGen allele CA336361.

ClinVar aggregate classification (germline): Uncertain significance. Review status: criteria provided, multiple submitters, no conflicts (2 of 4 stars). 4 submissions from 4 submitters: Uncertain significance (4). Last evaluated 2026-03-14.

Conditions:
Familial adenomatous polyposis 1 (FAP1). Also called: POLYPOSIS, ADENOMATOUS INTESTINAL; FAMILIAL ADENOMATOUS POLYPOSIS 1, ATTENUATED. Identifiers: MedGen C2713442, MONDO:0021056, OMIM 175100. Disease mechanism: loss of function.
Classic or attenuated familial adenomatous polyposis. Identifiers: MedGen CN372698, MONDO:0021057.
Hereditary cancer-predisposing syndrome. Also called: Tumor predisposition; Hereditary neoplastic syndrome; Hereditary Cancer Syndrome; Neoplastic Syndromes, Hereditary. Identifiers: Orphanet 140162, MedGen C0027672, MeSH D009386, MONDO:0015356.

Allele frequency attached by ClinVar (database versions not stated): gnomAD exomes below 0.00001.
gnomAD v4.1: 1 of 1,613,872 alleles (0.000062%); highest among the groups gnomAD compares: Non-Finnish European, 0.000085%; no homozygotes.

Submissions (4):

Ambry Genetics
Classification: Uncertain significance for Hereditary cancer-predisposing syndrome. Last evaluated: 2026-03-14. Review status: criteria provided, single submitter. Criteria: Ambry Variant Classification Scheme 2023. Collection method: clinical testing. Allele origin: germline.
Comment: The p.N2024S variant (also known as c.6071A>G), located in coding exon 15 of the APC gene, results from an A to G substitution at nucleotide position 6071. The asparagine at codon 2024 is replaced by serine, an amino acid with highly similar properties. This amino acid position is conserved. In addition, in silico predictors for this gene do not accurately predict pathogenicity. Based on the available evidence, the clinical significance of this variant remains unclear.

Labcorp Genetics (formerly Invitae), Labcorp
Classification: Uncertain significance for Familial adenomatous polyposis 1. Last evaluated: 2025-01-02. Review status: criteria provided, single submitter. Criteria: Invitae Variant Classification Sherloc (09022015). Collection method: clinical testing. Allele origin: germline.
Comment: This sequence change replaces asparagine, which is neutral and polar, with serine, which is neutral and polar, at codon 2024 of the APC protein (p.Asn2024Ser). This variant is not present in population databases (gnomAD no frequency). This variant has not been reported in the literature in individuals affected with APC-related conditions. ClinVar contains an entry for this variant (Variation ID: 216172). Invitae Evidence Modeling of protein sequence and biophysical properties (such as structural, functional, and spatial information, amino acid conservation, physicochemical variation, residue mobility, and thermodynamic stability) indicates that this missense variant is not expected to disrupt APC protein function with a negative predictive value of 95%. In summary, the available evidence is currently insufficient to determine the role of this variant in disease. Therefore, it has been classified as a Variant of Uncertain Significance.

All of Us Research Program, National Institutes of Health
Classification: Uncertain significance for Classic or attenuated familial adenomatous polyposis. Last evaluated: 2023-11-30. Review status: criteria provided, single submitter. Criteria: ACMG Guidelines, 2015. Collection method: clinical testing. Allele origin: germline. Inheritance: Autosomal dominant inheritance. Observed: 1 variant allele, 1 heterozygote.
Comment: This study involves interpretation of variants in research participants for the purpose of population health screening. Participant phenotype was not available at the time of variant classification. Additional details can be found in publication PMID: 35346344, PMCID: PMC8962531

GeneDx
Classification: Uncertain significance. Last evaluated: 2022-06-22. Review status: criteria provided, single submitter. Criteria: GeneDx Variant Classification Process June 2021. Collection method: clinical testing. Allele origin: germline. Affected: yes.
Comment: Not observed at significant frequency in large population cohorts (gnomAD); In silico analysis supports that this missense variant does not alter protein structure/function; Has not been previously published as pathogenic or benign to our knowledge; This variant is associated with the following publications: (PMID: 18199528])